The following is an entry in ClinVar:

ClinVar aggregate classification (germline): Uncertain significance. Review status: criteria provided, multiple submitters, no conflicts (2 of 4 stars). 2 submissions from 2 submitters: Uncertain significance (2). Last evaluated 2026-05-20.

Conditions:
Familial thoracic aortic aneurysm and aortic dissection (TAAD). Also called: Thoracic aortic aneurysms and dissections. Identifiers: Orphanet 91387, MedGen C4707243, MONDO:0019625.
Congenital contractural arachnodactyly (CCA). Also called: BEALS SYNDROME; Beals-Hecht syndrome; Arthrogryposis, distal, type 9. Identifiers: Orphanet 115, MedGen C0220668, MONDO:0007363, OMIM 121050.

gnomAD v4.1: 1 of 1,613,918 alleles (0.000062%); highest among the groups gnomAD compares: Non-Finnish European, 0.000085%; no homozygotes.

Submissions (2):

Ambry Genetics
Classification: Uncertain significance for Familial thoracic aortic aneurysm and aortic dissection. Last evaluated: 2026-05-20. Review status: criteria provided, single submitter. Criteria: Ambry Variant Classification Scheme 2023. Collection method: clinical testing. Allele origin: germline.
Comment: The p.V1132L variant (also known as c.3394G>C), located in coding exon 26 of the FBN2 gene, results from a G to C substitution at nucleotide position 3394. The valine at codon 1132 is replaced by leucine, an amino acid with highly similar properties. This amino acid position is conserved. In addition, the in silico prediction for this alteration is inconclusive. Based on the available evidence, the clinical significance of this variant remains unclear.

Labcorp Genetics (formerly Invitae), Labcorp
Classification: Uncertain significance for Congenital contractural arachnodactyly. Last evaluated: 2025-10-02. Review status: criteria provided, single submitter. Criteria: Invitae Variant Classification Sherloc (09022015). Collection method: clinical testing. Allele origin: germline.
Comment: This sequence change replaces valine, which is neutral and non-polar, with leucine, which is neutral and non-polar, at codon 1132 of the FBN2 protein (p.Val1132Leu). This variant is not present in population databases (gnomAD no frequency). This variant has not been reported in the literature in individuals affected with FBN2-related conditions. Invitae Evidence Modeling of protein sequence and biophysical properties (such as structural, functional, and spatial information, amino acid conservation, physicochemical variation, residue mobility, and thermodynamic stability) indicates that this missense variant is not expected to disrupt FBN2 protein function with a negative predictive value of 95%. In summary, the available evidence is currently insufficient to determine the role of this variant in disease. Therefore, it has been classified as a Variant of Uncertain Significance.

NM_001999.4(FBN2):c.3394G>C (p.Val1132Leu)

Gene: FBN2 (fibrillin 2; minus strand). Cytogenetic location: 5q23.3.
Variant type: single nucleotide variant.
Coding change: c.3394G>C on transcript NM_001999.4 (MANE Select); coding-DNA position 3394, G replaced by C.
Protein change: p.Val1132Leu; replaces valine 1132 with leucine.
Molecular consequence: missense variant.
Genome position (GRCh38, 1-based): chr5:128,339,011, C>G on the plus strand (G>C on the coding strand, the complement: FBN2 is on the minus strand). VCF-style: chr5-128339011-C-G. GRCh37 (hg19) VCF-style: chr5-127674703-C-G.
Other names: c.3394G>C (NM_001999.3); short protein forms V1132L.
Identifiers: ClinVar variation 4705089 (VCV004705089.2).